The following is an entry in ClinVar:

ClinVar aggregate classification (germline): Uncertain significance. Review status: criteria provided, multiple submitters, no conflicts (2 of 4 stars). 2 submissions from 2 submitters: Uncertain significance (2). Last evaluated 2025-08-02.

Conditions:
Inborn genetic diseases. Identifiers: MedGen C0950123, MeSH D030342.

gnomAD v4.1: 1 of 1,614,132 alleles (0.000062%); highest among the groups gnomAD compares: Admixed American, 0.0017%; no homozygotes.

Submissions (2):

Ambry Genetics
Classification: Uncertain significance for Inborn genetic diseases. Last evaluated: 2025-08-02. Review status: criteria provided, single submitter. Criteria: Ambry Variant Classification Scheme 2023. Collection method: clinical testing. Allele origin: germline.

Labcorp Genetics (formerly Invitae), Labcorp
Classification: Uncertain significance. Last evaluated: 2024-09-14. Review status: criteria provided, single submitter. Criteria: Invitae Variant Classification Sherloc (09022015). Collection method: clinical testing. Allele origin: germline.
Comment: This sequence change replaces alanine, which is neutral and non-polar, with serine, which is neutral and polar, at codon 39 of the SRCAP protein (p.Ala39Ser). This variant is present in population databases (no rsID available, gnomAD no frequency). This variant has not been reported in the literature in individuals affected with SRCAP-related conditions. Invitae Evidence Modeling of protein sequence and biophysical properties (such as structural, functional, and spatial information, amino acid conservation, physicochemical variation, residue mobility, and thermodynamic stability) indicates that this missense variant is not expected to disrupt SRCAP protein function with a negative predictive value of 80%. In summary, the available evidence is currently insufficient to determine the role of this variant in disease. Therefore, it has been classified as a Variant of Uncertain Significance.

NM_006662.3(SRCAP):c.115G>T (p.Ala39Ser)

Gene: SRCAP (Snf2 related CREBBP activator protein; plus strand). Cytogenetic location: 16p11.2.
Variant type: single nucleotide variant.
Coding change: c.115G>T on transcript NM_006662.3 (MANE Select); coding-DNA position 115, G replaced by T.
Protein change: p.Ala39Ser; replaces alanine 39 with serine.
Molecular consequence: missense variant.
Genome position (GRCh38, 1-based): chr16:30,704,124, G>T. VCF-style: chr16-30704124-G-T. GRCh37 (hg19) VCF-style: chr16-30715445-G-T.
Other names: c.115G>T (NM_006662.2); short protein forms A39S.
Identifiers: ClinVar variation 3617157 (VCV003617157.3).
Genomic context (GRCh38, chr16:30,704,124, plus strand): 5'-ATGGTGTCGGACGGCATGACAGGCAGCAATCCTGTGTCCCCTGCCTCATCCAGTTCCCCA[G>T]CCTCTAGTGGGGCAGGCGGCATCTCCCCGCAGCACATAGCTCAAGATTCCTCACTGGATG-3'
Protein context (NP_006653.2, residues 29-49): PVSPASSSSP[Ala39Ser]SSGAGGISPQ